The following is an entry in ClinVar:

ClinVar aggregate classification (germline): Uncertain significance (1 of 4 stars; one submission).

Conditions:
Renal cell carcinoma. Identifiers: Orphanet 217071, MedGen C0007134, MeSH D002292, MONDO:0005086, HP:0005584.

Submission:

Labcorp Genetics (formerly Invitae), Labcorp
Classification: Uncertain significance for Renal cell carcinoma. Last evaluated: 2022-09-01. Review status: criteria provided, single submitter. Criteria: Invitae Variant Classification Sherloc (09022015). Collection method: clinical testing. Allele origin: germline.
Comment: In summary, the available evidence is currently insufficient to determine the role of this variant in disease. Therefore, it has been classified as a Variant of Uncertain Significance. Algorithms developed to predict the effect of missense changes on protein structure and function are either unavailable or do not agree on the potential impact of this missense change (SIFT: "Tolerated"; PolyPhen-2: "Probably Damaging"; Align-GVGD: "Class C0"). This variant has not been reported in the literature in individuals affected with MET-related conditions. This variant is not present in population databases (gnomAD no frequency). This sequence change replaces serine, which is neutral and polar, with glycine, which is neutral and non-polar, at codon 617 of the MET protein (p.Ser617Gly).

NM_000245.4(MET):c.1849A>G (p.Ser617Gly)

Gene: MET (MET proto-oncogene, receptor tyrosine kinase; plus strand). Cytogenetic location: 7q31.2.
Variant type: single nucleotide variant.
Coding change: c.1849A>G on transcript NM_000245.4 (MANE Select); coding-DNA position 1849, A replaced by G.
Protein change: p.Ser617Gly; replaces serine 617 with glycine.
Molecular consequence: missense variant.
Genome position (GRCh38, 1-based): chr7:116,755,502, A>G. VCF-style: chr7-116755502-A-G. GRCh37 (hg19) VCF-style: chr7-116395556-A-G.
Other names: c.1849A>G, p.Ser617Gly (NM_001127500.3, NM_001324401.3); c.559A>G, p.Ser187Gly (NM_001324402.2); short protein forms S187G, S617G.
Identifiers: ClinVar variation 1718596 (VCV001718596.5), dbSNP rs2116910973, ClinGen allele CA368978317.
Genomic context (GRCh38, chr7:116,755,502, plus strand): 5'-GATTTAAAGAAAACTAGAGTTCTCCTTGGAAATGAGAGCTGCACCTTGACTTTAAGTGAG[A>G]GCACGATGAATACGTAAGGATCTTAAAATGCTTTGCTGGGGTGTGCTTGGAAAATAGGTT-3'
Protein context (NP_000236.2, residues 607-627): NESCTLTLSE[Ser617Gly]TMNTLKCTVG